The following is an entry in ClinVar:

ClinVar aggregate classification (germline): Uncertain significance (1 of 4 stars; one submission).

Conditions:
Inborn genetic diseases. Identifiers: MedGen C0950123, MeSH D030342.

Submission:

Ambry Genetics
Classification: Uncertain significance for Inborn genetic diseases. Last evaluated: 2025-05-09. Review status: criteria provided, single submitter. Criteria: Ambry Variant Classification Scheme 2023. Collection method: clinical testing. Allele origin: germline.
Comment: The p.L272I variant (also known as c.814C>A), located in coding exon 2 of the SH2B3 gene, results from a C to A substitution at nucleotide position 814. The leucine at codon 272 is replaced by isoleucine, an amino acid with highly similar properties. This amino acid position is conserved. In addition, this alteration is predicted to be tolerated by in silico analysis. Based on the available evidence, the clinical significance of this variant remains unclear.

NM_005475.3(SH2B3):c.814C>A (p.Leu272Ile)

Gene: SH2B3 (SH2B adaptor protein 3; plus strand). Cytogenetic location: 12q24.12.
Variant type: single nucleotide variant.
Coding change: c.814C>A on transcript NM_005475.3 (MANE Select); coding-DNA position 814, C replaced by A.
Protein change: p.Leu272Ile; replaces leucine 272 with isoleucine.
Molecular consequence: missense variant.
Genome position (GRCh38, 1-based): chr12:111,446,834, C>A. VCF-style: chr12-111446834-C-A. GRCh37 (hg19) VCF-style: chr12-111884638-C-A.
Other names: c.208C>A, p.Leu70Ile (NM_001291424.1); short protein forms L272I, L70I.
Identifiers: ClinVar variation 3953491 (VCV003953491.1).
Genomic context (GRCh38, chr12:111,446,834, plus strand): 5'-GCAGCTTGCTCCAGCATCCAGGAGGTCCGGTGGTGCACACGGCTTGAGATGCCTGACAAC[C>A]TTTACACCTTTGTGCTGAAGGTGAGTGACAAGGCTTTTCACACCCTGGGGCAATACAAAT-3'
Protein context (NP_005466.1, residues 262-282): WCTRLEMPDN[Leu272Ile]YTFVLKVKDR